The following is an entry in ClinVar:

NM_004517.4(ILK):c.1357T>C (p.Ter453Gln)

Genes: ILK (integrin linked kinase; plus strand), TAF10 (TATA-box binding protein associated factor 10; minus strand). Cytogenetic location: 11p15.4.
Variant type: single nucleotide variant.
Coding change: c.1357T>C on transcript NM_004517.4 (MANE Select); coding-DNA position 1357, T replaced by C.
Protein change: p.Ter453Gln.
Molecular consequence: stop lost. On other transcripts: 3 prime UTR variant (1).
Genome position (GRCh38, 1-based): chr11:6,610,609, T>C. VCF-style: chr11-6610609-T-C. GRCh37 (hg19) VCF-style: chr11-6631840-T-C.
Other names: *453Q; *319Q; c.1357T>C, p.Ter453Gln (NM_001014794.3, NM_001014795.3); c.1174T>C, p.Ter392Gln (NM_001278441.2); c.955T>C, p.Ter319Gln (NM_001278442.2); c.*313A>G (NM_006284.4).
Identifiers: ClinVar variation 967682 (VCV000967682.10), dbSNP rs756620800, ClinGen allele CA5858358.

ClinVar aggregate classification (germline): Uncertain significance (1 of 4 stars; one submission).

Conditions:
Primary familial hypertrophic cardiomyopathy (HCM). Identifiers: Orphanet 99739, MedGen C0949658, MeSH D024741, MONDO:0024573. Inheritance: Various modes of inheritance.

Allele frequency attached by ClinVar (database versions not stated): gnomAD exomes below 0.00001 and 0.00001; TOPMed below 0.00001; gnomAD 0.00001; ExAC 0.00002.
gnomAD v4.1: 7 of 1,614,080 alleles (0.00043%); highest among the groups gnomAD compares: East Asian, 0.0089%; no homozygotes.

Submission:

Labcorp Genetics (formerly Invitae), Labcorp
Classification: Uncertain significance for Primary familial hypertrophic cardiomyopathy. Last evaluated: 2022-09-06. Review status: criteria provided, single submitter. Criteria: Invitae Variant Classification Sherloc (09022015). Collection method: clinical testing. Allele origin: germline.
Comment: This sequence change disrupts the translational stop signal of the ILK mRNA. It is expected to extend the length of the ILK protein by 7 additional amino acid residues. In summary, the available evidence is currently insufficient to determine the role of this variant in disease. Therefore, it has been classified as a Variant of Uncertain Significance. Experimental studies and prediction algorithms are not available or were not evaluated, and the functional significance of this variant is currently unknown. ClinVar contains an entry for this variant (Variation ID: 967682). This variant has not been reported in the literature in individuals affected with ILK-related conditions. This variant is present in population databases (rs756620800, gnomAD 0.01%).